The following is an entry in ClinVar:

ClinVar aggregate classification (germline): Uncertain significance (1 of 4 stars; one submission).

Conditions:
Arrhythmogenic cardiomyopathy with wooly hair and keratoderma. Also called: Arrhythmogenic cardiomyopathy with woolly hair and keratoderma; Dilated cardiomyopathy with woolly hair and keratoderma; PALMOPLANTAR KERATODERMA WITH LEFT VENTRICULAR CARDIOMYOPATHY AND WOOLLY HAIR; Carvajal syndrome. Identifiers: Orphanet 65282, MedGen C1854063, MONDO:0011581, OMIM 605676.
Arrhythmogenic right ventricular dysplasia 8 (ARVD8). Also called: Arrhythmogenic Right Ventricular Dysplasia/Cardiomyopathy 8; ARRHYTHMOGENIC RIGHT VENTRICULAR DYSPLASIA, FAMILIAL, 8; ARRHYTHMOGENIC RIGHT VENTRICULAR CARDIOMYOPATHY 8. Identifiers: MedGen C1843896, MONDO:0011831, OMIM 607450.

Submission:

Labcorp Genetics (formerly Invitae), Labcorp
Classification: Uncertain significance for Arrhythmogenic cardiomyopathy with wooly hair and keratoderma; Arrhythmogenic right ventricular dysplasia 8. Last evaluated: 2023-07-12. Review status: criteria provided, single submitter. Criteria: Invitae Variant Classification Sherloc (09022015). Collection method: clinical testing. Allele origin: germline.
Comment: An algorithm developed to predict the effect of missense changes on protein structure and function (PolyPhen-2) suggests that this variant is likely to be disruptive. This sequence change replaces methionine, which is neutral and non-polar, with arginine, which is basic and polar, at codon 351 of the DSP protein (p.Met351Arg). This variant is not present in population databases (gnomAD no frequency). This variant has not been reported in the literature in individuals affected with DSP-related conditions. Algorithms developed to predict the effect of sequence changes on RNA splicing suggest that this variant may create or strengthen a splice site. In summary, the available evidence is currently insufficient to determine the role of this variant in disease. Therefore, it has been classified as a Variant of Uncertain Significance.

NM_004415.4(DSP):c.1052T>G (p.Met351Arg)

Gene: DSP (desmoplakin; plus strand). Cytogenetic location: 6p24.3.
Variant type: single nucleotide variant.
Coding change: c.1052T>G on transcript NM_004415.4 (MANE Select); coding-DNA position 1052, T replaced by G.
Protein change: p.Met351Arg; replaces methionine 351 with arginine.
Molecular consequence: missense variant.
Genome position (GRCh38, 1-based): chr6:7,567,361, T>G. VCF-style: chr6-7567361-T-G. GRCh37 (hg19) VCF-style: chr6-7567594-T-G.
Other names: c.1052T>G, p.Met351Arg (NM_001008844.3, NM_001319034.2, NM_001406591.1); short protein forms M351R.
Identifiers: ClinVar variation 2929722 (VCV002929722.1), dbSNP rs2113672417, ClinGen allele CA362675470.